The following is an entry in ClinVar:

NM_173660.5(DOK7):c.957C>G (p.Pro319=)

Gene: DOK7 (docking protein 7; plus strand). Cytogenetic location: 4p16.3.
Variant type: single nucleotide variant.
Coding change: c.957C>G on transcript NM_173660.5 (MANE Select); coding-DNA position 957, C replaced by G.
Protein change: p.Pro319=; no amino-acid change (proline 319 retained).
Molecular consequence: synonymous variant. On other transcripts: 3 prime UTR variant (1).
Genome position (GRCh38, 1-based): chr4:3,492,943, C>G. VCF-style: chr4-3492943-C-G. GRCh37 (hg19) VCF-style: chr4-3494670-C-G.
Other names: c.*178C>G (NM_001164673.2); c.27C>G, p.Pro9= (NM_001256896.2); c.957C>G, p.Pro319= (NM_001301071.2); c.525C>G, p.Pro175= (NM_001363811.2); c.957C>G (NM_173660.4).
Identifiers: ClinVar variation 597374 (VCV000597374.14), dbSNP rs777573281, ClinGen allele CA2829304.

ClinVar aggregate classification (germline): Conflicting classifications of pathogenicity. Review status: criteria provided, conflicting classifications (1 of 4 stars). 3 submissions from 3 submitters: Uncertain significance (1); Likely benign (1). 1 of the submissions does not count toward it. Last evaluated 2025-09-19.

Conditions:
DOK7-related disorder. Also called: DOK7-related condition.
Fetal akinesia deformation sequence 1 (FADS1). Also called: Fetal akinesia sequence; Pena-Shokeir syndrome type I. Identifiers: Orphanet 994, MedGen C1276035, MONDO:0100101, OMIM 208150, HP:0001989.
Congenital myasthenic syndrome 10. Also called: Myasthenia, limb-girdle, familial. Identifiers: Orphanet 590, MedGen C1850792, MONDO:0009690, OMIM 254300.

Allele frequency attached by ClinVar (database versions not stated): gnomAD exomes 0.00003; TOPMed 0.00013; gnomAD 0.00016.

Submissions (3):

Labcorp Genetics (formerly Invitae), Labcorp
Classification: Likely benign for Congenital myasthenic syndrome 10; Fetal akinesia deformation sequence 1. Last evaluated: 2025-09-19. Review status: criteria provided, single submitter. Criteria: Invitae Variant Classification Sherloc (09022015). Collection method: clinical testing. Allele origin: germline.

Eurofins Ntd Llc (ga)
Classification: Uncertain significance. Last evaluated: 2018-05-29. Review status: criteria provided, single submitter. Criteria: EGL ClinVar v180209 classification definitions. Collection method: clinical testing. Allele origin: germline. Observed: 1 variant allele, 1 heterozygote.

PreventionGenetics, part of Exact Sciences
Classification: Likely benign for DOK7-related condition. Last evaluated: 2019-03-26. Review status: no assertion criteria provided. Collection method: clinical testing. Allele origin: germline. Not counted in ClinVar's aggregate classification.
Comment: This variant is classified as likely benign based on ACMG/AMP sequence variant interpretation guidelines (Richards et al. 2015 PMID: 25741868, with internal and published modifications).